The following is an entry in ClinVar:

NM_001365951.3(KIF1B):c.4816G>C (p.Asp1606His)

Gene: KIF1B (kinesin family member 1B; plus strand). Cytogenetic location: 1p36.22.
Variant type: single nucleotide variant.
Coding change: c.4816G>C on transcript NM_001365951.3 (MANE Select); coding-DNA position 4816, G replaced by C.
Protein change: p.Asp1606His; replaces aspartic acid 1606 with histidine.
Molecular consequence: missense variant.
Genome position (GRCh38, 1-based): chr1:10,368,530, G>C. VCF-style: chr1-10368530-G-C. GRCh37 (hg19) VCF-style: chr1-10428588-G-C.
Other names: c.4816G>C, p.Asp1606His (NM_001365952.1); c.4678G>C, p.Asp1560His (NM_015074.3); short protein forms D1560H, D1606H.
Identifiers: ClinVar variation 861055 (VCV000861055.11), dbSNP rs780601677, ClinGen allele CA338324650.

ClinVar aggregate classification (germline): Uncertain significance. Review status: criteria provided, multiple submitters, no conflicts (2 of 4 stars). 2 submissions from 2 submitters: Uncertain significance (2). Last evaluated 2023-03-23.

Conditions:
Charcot-Marie-Tooth disease type 2. Also called: Charcot-Marie-Tooth type 2. Identifiers: Orphanet 64746, MedGen C0270914, MONDO:0018993.

gnomAD v4.1: 1 of 1,613,722 alleles (0.000062%); highest among the groups gnomAD compares: Admixed American, 0.0017%; no homozygotes.

Submissions (2):

Ambry Genetics
Classification: Uncertain significance. Last evaluated: 2023-03-23. Review status: criteria provided, single submitter. Criteria: Ambry Variant Classification Scheme 2023. Collection method: clinical testing. Allele origin: germline.
Comment: The p.D1560H variant (also known as c.4678G>C), located in coding exon 41 of the KIF1B gene, results from a G to C substitution at nucleotide position 4678. The aspartic acid at codon 1560 is replaced by histidine, an amino acid with similar properties. This amino acid position is conserved. In addition, this alteration is predicted to be tolerated by in silico analysis. Since supporting evidence is limited at this time, the clinical significance of this alteration remains unclear.

Labcorp Genetics (formerly Invitae), Labcorp
Classification: Uncertain significance for Charcot-Marie-Tooth disease type 2. Last evaluated: 2022-11-19. Review status: criteria provided, single submitter. Criteria: Invitae Variant Classification Sherloc (09022015). Collection method: clinical testing. Allele origin: germline.
Comment: ClinVar contains an entry for this variant (Variation ID: 861055). This variant has not been reported in the literature in individuals affected with KIF1B-related conditions. This variant is present in population databases (no rsID available, gnomAD 0.003%). This sequence change replaces aspartic acid, which is acidic and polar, with histidine, which is basic and polar, at codon 1560 of the KIF1B protein (p.Asp1560His). Algorithms developed to predict the effect of missense changes on protein structure and function are either unavailable or do not agree on the potential impact of this missense change (SIFT: "Deleterious"; PolyPhen-2: "Probably Damaging"; Align-GVGD: "Class C0"). In summary, the available evidence is currently insufficient to determine the role of this variant in disease. Therefore, it has been classified as a Variant of Uncertain Significance.